The following is an entry in ClinVar:

ClinVar aggregate classification (germline): Likely benign. Review status: criteria provided, multiple submitters, no conflicts (2 of 4 stars). 3 submissions from 3 submitters: Likely benign (3). Last evaluated 2025-08-11.

gnomAD v4.1: 14 of 1,606,384 alleles (0.00087%); highest among the groups gnomAD compares: Admixed American, 0.0017%; no homozygotes.

Submissions (3):

Labcorp Genetics (formerly Invitae), Labcorp
Classification: Likely benign. Last evaluated: 2025-08-11. Review status: criteria provided, single submitter. Criteria: Invitae Variant Classification Sherloc (09022015). Collection method: clinical testing. Allele origin: germline.

CeGaT Center for Human Genetics Tuebingen
Classification: Likely benign. Last evaluated: 2022-08-01. Review status: criteria provided, single submitter. Criteria: CeGaT Center For Human Genetics Tuebingen Variant Classification Criteria Version 2. Collection method: clinical testing. Allele origin: germline. Affected: yes. Observed: 1 variant allele.
Comment: CACNA1G: BP4, BP7

Blueprint Genetics
Classification: Likely benign. Last evaluated: 2020-10-29. Review status: criteria provided, single submitter. Criteria: ACMG Guidelines, 2015. Collection method: clinical testing. Allele origin: germline.

NM_018896.5(CACNA1G):c.3339C>T (p.Leu1113=)

Gene: CACNA1G (calcium voltage-gated channel subunit alpha1 G; plus strand). Cytogenetic location: 17q21.33.
Variant type: single nucleotide variant.
Coding change: c.3339C>T on transcript NM_018896.5 (MANE Select); coding-DNA position 3339, C replaced by T.
Protein change: p.Leu1113=; no amino-acid change (leucine 1113 retained).
Molecular consequence: synonymous variant. On other transcripts: non-coding transcript variant (5).
Genome position (GRCh38, 1-based): chr17:50,599,508, C>T. VCF-style: chr17-50599508-C-T. GRCh37 (hg19) VCF-style: chr17-48676869-C-T.
Other names: c.3339C>T, p.Leu1113= (NM_198378.3, NM_198380.3, NM_198384.3 and 16 more transcripts); c.3270C>T, p.Leu1090= (NM_198379.3, NM_198382.3, NM_198383.3 and 5 more transcripts).
Identifiers: ClinVar variation 2647911 (VCV002647911.28), dbSNP rs768736800, ClinGen allele CA291620025.